The following is an entry in ClinVar:

ClinVar aggregate classification (germline): Uncertain significance (1 of 4 stars; one submission).

Conditions:
Nephronophthisis 9 (NPHP9). Identifiers: Orphanet 655, MedGen C3151188, MONDO:0013444, OMIM 613824.

Allele frequency attached by ClinVar (database versions not stated): gnomAD exomes 0.00001.
gnomAD v4.1: 15 of 1,612,270 alleles (0.00093%); highest among the groups gnomAD compares: Non-Finnish European, 0.0013%; no homozygotes.

Submission:

Labcorp Genetics (formerly Invitae), Labcorp
Classification: Uncertain significance for Nephronophthisis 9. Last evaluated: 2022-08-19. Review status: criteria provided, single submitter. Criteria: Invitae Variant Classification Sherloc (09022015). Collection method: clinical testing. Allele origin: germline.
Comment: This sequence change replaces aspartic acid, which is acidic and polar, with asparagine, which is neutral and polar, at codon 471 of the NEK8 protein (p.Asp471Asn). This variant is not present in population databases (gnomAD no frequency). This variant has not been reported in the literature in individuals affected with NEK8-related conditions. Algorithms developed to predict the effect of missense changes on protein structure and function are either unavailable or do not agree on the potential impact of this missense change (SIFT: "Deleterious"; PolyPhen-2: "Benign"; Align-GVGD: "Class C0"). In summary, the available evidence is currently insufficient to determine the role of this variant in disease. Therefore, it has been classified as a Variant of Uncertain Significance.

NM_178170.3(NEK8):c.1411G>A (p.Asp471Asn)

Gene: NEK8 (NIMA related kinase 8; plus strand). Cytogenetic location: 17q11.2.
Variant type: single nucleotide variant.
Coding change: c.1411G>A on transcript NM_178170.3 (MANE Select); coding-DNA position 1411, G replaced by A.
Protein change: p.Asp471Asn; replaces aspartic acid 471 with asparagine.
Molecular consequence: missense variant.
Genome position (GRCh38, 1-based): chr17:28,739,195, G>A. VCF-style: chr17-28739195-G-A. GRCh37 (hg19) VCF-style: chr17-27066213-G-A.
Other names: short protein forms D471N.
Identifiers: ClinVar variation 1896967 (VCV001896967.2), dbSNP rs2544443703, ClinGen allele CA398354582.
Genomic context (GRCh38, chr17:28,739,195, plus strand): 5'-GGGGCCTCTCACGTGCTGGCCCTGTCCACTGAGCGAGAACTATTTGCCTGGGGCCGTGGA[G>A]ACAGCGGTAAGCTCCAGCCTTTAGGCCCCATCTCACAGCATCCTCAGCCATGACTTGCTC-3'
Protein context (NP_835464.1, residues 461-481): ERELFAWGRG[Asp471Asn]SGRLGLGTRE